The following is an entry in ClinVar:

ClinVar aggregate classification (germline): Uncertain significance. Review status: criteria provided, multiple submitters, no conflicts (2 of 4 stars). 3 submissions from 3 submitters: Uncertain significance (3). Last evaluated 2026-09-08.

Conditions:
Cardiovascular phenotype. Identifiers: MedGen CN230736.
Fabry disease. Also called: Fabry's disease; ALPHA-GALACTOSIDASE A DEFICIENCY; ANDERSON-FABRY DISEASE; CERAMIDE TRIHEXOSIDASE DEFICIENCY; GLA DEFICIENCY; HEREDITARY DYSTOPIC LIPIDOSIS. Identifiers: Orphanet 324, MedGen C0002986, MONDO:0010526, OMIM 301500, HP:0001071. Disease mechanism: Fabry disease is due to inactivating mutations in the X-linked GLA gene resulting in deficiency of the enzyme Alpha Galactosidase-A., loss of function.

Allele frequency attached by ClinVar (database versions not stated): gnomAD exomes below 0.00001; TOPMed below 0.00001.

Submissions (3):

Genomenon, Inc
Classification: Uncertain significance for Fabry disease. Last evaluated: 2026-09-08. Review status: criteria provided, single submitter. Criteria: Genomenon Sequence Variant Interpretation Standards - Updated. Collection method: curation. Allele origin: germline. Affected: no.
Comment: GLA p.Met208Ile (c.624G>A) is a missense variant that changes the amino acid at codon 208 from Methionine to Isoleucine. This variant has been reported in the published literature (PMID:32023956). It is absent or not present at a significant frequency in gnomAD. In conclusion, we classify GLA p.Met208Ile (c.624G>A) as a variant of uncertain significance.

Labcorp Genetics (formerly Invitae), Labcorp
Classification: Uncertain significance for Fabry disease. Last evaluated: 2022-08-25. Review status: criteria provided, single submitter. Criteria: Invitae Variant Classification Sherloc (09022015). Collection method: clinical testing. Allele origin: germline.
Comment: This sequence change replaces methionine, which is neutral and non-polar, with isoleucine, which is neutral and non-polar, at codon 208 of the GLA protein (p.Met208Ile). This variant is not present in population databases (gnomAD no frequency). This variant has not been reported in the literature in individuals affected with GLA-related conditions. Algorithms developed to predict the effect of missense changes on protein structure and function (SIFT, PolyPhen-2, Align-GVGD) all suggest that this variant is likely to be tolerated. In summary, the available evidence is currently insufficient to determine the role of this variant in disease. Therefore, it has been classified as a Variant of Uncertain Significance.

Ambry Genetics
Classification: Uncertain significance for Cardiovascular phenotype. Last evaluated: 2021-12-14. Review status: criteria provided, single submitter. Criteria: Ambry Variant Classification Scheme 2023. Collection method: clinical testing. Allele origin: germline.
Comment: The p.M208I variant (also known as c.624G>A), located in coding exon 4 of the GLA gene, results from a G to A substitution at nucleotide position 624. The methionine at codon 208 is replaced by isoleucine, an amino acid with highly similar properties. In vitro studies showed this alteration may impact protein function (Lukas J et al. Int J Mol Sci, 2020 Jan;21:[ePub ahead of print]). This amino acid position is poorly conserved in available vertebrate species. In addition, this alteration is predicted to be tolerated by in silico analysis. Since supporting evidence is limited at this time, the clinical significance of this alteration remains unclear.

Literature cited by the submitters: PubMed 32023956 (cited by Genomenon, Inc and Ambry Genetics).

NM_000169.3(GLA):c.624G>A (p.Met208Ile)

Genes: GLA (galactosidase alpha; minus strand), RPL36A-HNRNPH2 (RPL36A-HNRNPH2 readthrough; plus strand). Cytogenetic location: Xq22.1.
Variant type: single nucleotide variant.
Coding change: c.624G>A on transcript NM_000169.3 (MANE Select); coding-DNA position 624, G replaced by A.
Protein change: p.Met208Ile; replaces methionine 208 with isoleucine.
Molecular consequence: missense variant. On other transcripts: non-coding transcript variant (2), intron variant (2).
Genome position (GRCh38, 1-based): chrX:101,400,681, C>T on the plus strand (G>A on the coding strand, the complement: GLA is on the minus strand). VCF-style: chrX-101400681-C-T. GRCh37 (hg19) VCF-style: chrX-100655669-C-T.
Other names: c.747G>A, p.Met249Ile (NM_001406747.1); c.624G>A, p.Met208Ile (NM_001406748.1); c.300+5224C>T (NM_001199973.2); c.177+8859C>T (NM_001199974.2); short protein forms M249I, M208I.
Identifiers: ClinVar variation 1752437 (VCV001752437.9), dbSNP rs1928280306, ClinGen allele CA413927197.
Genomic context (GRCh38, chrX:101,400,681, plus strand): 5'-TATCTATCAGTACAGTTCTATTGGATTCTGGGCTCACTATCTCACCTTTTGAAAGGGCCA[C>T]ATATAAAGAGGCCACTCACAGGAGTACACAATGCTTCTGCCAGTCCTATTCAGGGCCAAG-3'
Protein context (NP_000160.1, residues 198-218): IVYSCEWPLY[Met208Ile]WPFQKPNYTE